The following is an entry in ClinVar:

NM_015450.3(POT1):c.1617A>T (p.Gln539His)

Gene: POT1 (protection of telomeres 1; minus strand). Cytogenetic location: 7q31.33.
Variant type: single nucleotide variant.
Coding change: c.1617A>T on transcript NM_015450.3 (MANE Select); coding-DNA position 1617, A replaced by T.
Protein change: p.Gln539His; replaces glutamine 539 with histidine.
Molecular consequence: missense variant. On other transcripts: non-coding transcript variant (3).
Genome position (GRCh38, 1-based): chr7:124,827,283, T>A on the plus strand (A>T on the coding strand, the complement: POT1 is on the minus strand). VCF-style: chr7-124827283-T-A. GRCh37 (hg19) VCF-style: chr7-124467337-T-A.
Other names: c.1224A>T, p.Gln408His (NM_001042594.2); short protein forms Q408H, Q539H.
Identifiers: ClinVar variation 819671 (VCV000819671.17), dbSNP rs973319258, ClinGen allele CA166094545.

ClinVar aggregate classification (germline): Uncertain significance. Review status: criteria provided, multiple submitters, no conflicts (2 of 4 stars). 3 submissions from 3 submitters: Uncertain significance (3). Last evaluated 2025-07-14.

Conditions:
Tumor predisposition syndrome 3 (TPDS3). Also called: Glioma susceptibility 9; LONG TELOMERE SYNDROME, POT1-RELATED; POT1 Tumor Predisposition; Melanoma, cutaneous malignant, susceptibility to, 10. Identifiers: Orphanet 618, MedGen C4014476, MONDO:0014368, OMIM 615848.
Hereditary cancer-predisposing syndrome. Also called: Tumor predisposition; Hereditary Cancer Syndrome; Hereditary neoplastic syndrome; Neoplastic Syndromes, Hereditary. Identifiers: Orphanet 140162, MedGen C0027672, MeSH D009386, MONDO:0015356.

Allele frequency attached by ClinVar (database versions not stated): gnomAD 0.00001; TOPMed 0.00001; gnomAD exomes 0.00002 and 0.00003.
gnomAD v4.1: 42 of 1,596,242 alleles (0.0026%); highest among the groups gnomAD compares: Non-Finnish European, 0.0034%; no homozygotes.

Submissions (3):

Labcorp Genetics (formerly Invitae), Labcorp
Classification: Uncertain significance for Tumor predisposition syndrome 3. Last evaluated: 2025-07-14. Review status: criteria provided, single submitter. Criteria: Invitae Variant Classification Sherloc (09022015). Collection method: clinical testing. Allele origin: germline.
Comment: This sequence change replaces glutamine, which is neutral and polar, with histidine, which is basic and polar, at codon 539 of the POT1 protein (p.Gln539His). This variant is present in population databases (no rsID available, gnomAD 0.004%). This variant has not been reported in the literature in individuals affected with POT1-related conditions. ClinVar contains an entry for this variant (Variation ID: 819671). Invitae Evidence Modeling of protein sequence and biophysical properties (such as structural, functional, and spatial information, amino acid conservation, physicochemical variation, residue mobility, and thermodynamic stability) indicates that this missense variant is not expected to disrupt POT1 protein function with a negative predictive value of 80%. In summary, the available evidence is currently insufficient to determine the role of this variant in disease. Therefore, it has been classified as a Variant of Uncertain Significance.

Ambry Genetics
Classification: Uncertain significance for Hereditary cancer-predisposing syndrome. Last evaluated: 2023-12-05. Review status: criteria provided, single submitter. Criteria: Ambry Variant Classification Scheme 2023. Collection method: clinical testing. Allele origin: germline.
Comment: The p.Q539H variant (also known as c.1617A>T), located in coding exon 13 of the POT1 gene, results from an A to T substitution at nucleotide position 1617. The glutamine at codon 539 is replaced by histidine, an amino acid with highly similar properties. This amino acid position is well conserved in available vertebrate species. In addition, this alteration is predicted to be tolerated by in silico analysis. Since supporting evidence is limited at this time, the clinical significance of this alteration remains unclear.

GeneDx
Classification: Uncertain significance. Last evaluated: 2023-08-04. Review status: criteria provided, single submitter. Criteria: GeneDx Variant Classification Process June 2021. Collection method: clinical testing. Allele origin: germline. Affected: yes.
Comment: Not observed at significant frequency in large population cohorts (gnomAD); In silico analysis supports that this missense variant does not alter protein structure/function; Observed in an individual with melanoma (Wong et al., 2019); This variant is associated with the following publications: (PMID: 28393830, 30664638)